The following is an entry in ClinVar:

NM_002775.5(HTRA1):c.1222G>A (p.Val408Met)

Gene: HTRA1 (HtrA serine peptidase 1; plus strand). Cytogenetic location: 10q26.13.
Variant type: single nucleotide variant.
Coding change: c.1222G>A on transcript NM_002775.5 (MANE Select); coding-DNA position 1222, G replaced by A.
Protein change: p.Val408Met; replaces valine 408 with methionine.
Molecular consequence: missense variant.
Genome position (GRCh38, 1-based): chr10:122,512,013, G>A. VCF-style: chr10-122512013-G-A. GRCh37 (hg19) VCF-style: chr10-124271529-G-A.
Other names: short protein forms V408M.
Identifiers: ClinVar variation 3107607 (VCV003107607.3), dbSNP rs779926239, ClinGen allele CA378588155.

ClinVar aggregate classification (germline): Uncertain significance. Review status: criteria provided, multiple submitters, no conflicts (2 of 4 stars). 2 submissions from 2 submitters: Uncertain significance (2). Last evaluated 2024-10-10.

Conditions:
Inborn genetic diseases. Identifiers: MedGen C0950123, MeSH D030342.

Allele frequency attached by ClinVar (database versions not stated): gnomAD 0.00001; TOPMed 0.00001.
gnomAD v4.1: 12 of 1,613,900 alleles (0.00074%); highest among the groups gnomAD compares: African/African-American, 0.0027%; no homozygotes.

Submissions (2):

Dasa
Classification: Uncertain significance. Last evaluated: 2024-10-10. Review status: criteria provided, single submitter. Criteria: DASA Assertion Criteria. Collection method: clinical testing. Allele origin: germline.
Comment: NM_002775.5(HTRA1):c.1222G>A (p.Val408Met) is a missense variant that results in the substitution of valine with methionine. This variant is rare in population databases. Computational prediction algorithms are consistent with a benign effect. The currently available literature and clinical evidence are not sufficient to establish a definitive association between this variant and the reported condition. Therefore, this variant is classified as a variant of uncertain significance.

Ambry Genetics
Classification: Uncertain significance for Inborn genetic diseases. Last evaluated: 2023-09-28. Review status: criteria provided, single submitter. Criteria: Ambry Variant Classification Scheme 2023. Collection method: clinical testing. Allele origin: germline.